The following is an entry in ClinVar:

NM_144997.7(FLCN):c.331C>T (p.His111Tyr)

Gene: FLCN (folliculin; minus strand). Cytogenetic location: 17p11.2.
Variant type: single nucleotide variant.
Coding change: c.331C>T on transcript NM_144997.7 (MANE Select); coding-DNA position 331, C replaced by T.
Protein change: p.His111Tyr; replaces histidine 111 with tyrosine.
Molecular consequence: missense variant.
Genome position (GRCh38, 1-based): chr17:17,226,241, G>A on the plus strand (C>T on the coding strand, the complement: FLCN is on the minus strand). VCF-style: chr17-17226241-G-A. GRCh37 (hg19) VCF-style: chr17-17129555-G-A.
Other names: c.331C>T, p.His111Tyr (NM_001353229.2, NM_001353230.2, NM_001353231.2 and 1 more transcripts); short protein forms H111Y.
Identifiers: ClinVar variation 3702059 (VCV003702059.2).

ClinVar aggregate classification (germline): Uncertain significance (1 of 4 stars; one submission).

Conditions:
Birt-Hogg-Dube syndrome. Also called: Birt Hogg Dubé syndrome. Identifiers: Orphanet 122, MedGen C0346010, MONDO:0800444.

gnomAD v4.1: 1 of 1,614,156 alleles (0.000062%); highest among the groups gnomAD compares: Non-Finnish European, 0.000085%; no homozygotes.

Submission:

Labcorp Genetics (formerly Invitae), Labcorp
Classification: Uncertain significance for Birt-Hogg-Dube syndrome. Last evaluated: 2024-07-06. Review status: criteria provided, single submitter. Criteria: Invitae Variant Classification Sherloc (09022015). Collection method: clinical testing. Allele origin: germline.
Comment: This sequence change replaces histidine, which is basic and polar, with tyrosine, which is neutral and polar, at codon 111 of the FLCN protein (p.His111Tyr). This variant is not present in population databases (gnomAD no frequency). This variant has not been reported in the literature in individuals affected with FLCN-related conditions. Advanced modeling of protein sequence and biophysical properties (such as structural, functional, and spatial information, amino acid conservation, physicochemical variation, residue mobility, and thermodynamic stability) performed at Invitae indicates that this missense variant is not expected to disrupt FLCN protein function with a negative predictive value of 80%. In summary, the available evidence is currently insufficient to determine the role of this variant in disease. Therefore, it has been classified as a Variant of Uncertain Significance.